The following is an entry in ClinVar:

ClinVar aggregate classification (germline): Uncertain significance. Review status: criteria provided, multiple submitters, no conflicts (2 of 4 stars). 3 submissions from 3 submitters: Uncertain significance (3). Last evaluated 2022-05-16.

Conditions:
Hereditary cancer-predisposing syndrome. Also called: Hereditary Cancer Syndrome; Hereditary neoplastic syndrome; Neoplastic Syndromes, Hereditary; Tumor predisposition. Identifiers: Orphanet 140162, MedGen C0027672, MeSH D009386, MONDO:0015356.

Submissions (3):

Ambry Genetics
Classification: Uncertain significance for Hereditary cancer-predisposing syndrome. Last evaluated: 2022-05-16. Review status: criteria provided, single submitter. Criteria: Ambry Variant Classification Scheme 2023. Collection method: clinical testing. Allele origin: germline.
Comment: The p.D130E variant (also known as c.390C>G), located in coding exon 3 of the EPCAM gene, results from a C to G substitution at nucleotide position 390. The aspartic acid at codon 130 is replaced by glutamic acid, an amino acid with highly similar properties. This amino acid position is conserved. In addition, this alteration is predicted to be tolerated by in silico analysis. Since supporting evidence is limited at this time, the clinical significance of this alteration remains unclear.

PreventionGenetics, part of Exact Sciences
Classification: Uncertain significance. Last evaluated: 2017-10-10. Review status: criteria provided, single submitter. Criteria: ACMG Guidelines, 2015. Collection method: clinical testing. Allele origin: germline.

Labcorp Genetics (formerly Invitae), Labcorp
Classification: Uncertain significance. Last evaluated: 2015-04-21. Review status: criteria provided, single submitter. Criteria: Invitae Variant Classification Sherloc (09022015). Collection method: clinical testing. Allele origin: germline.
Comment: This sequence change replaces aspartic acid with glutamic acid at codon 130 of the EPCAM protein (p.Asp130Glu). The aspartic acid residue is highly conserved and there is a small physicochemical difference between aspartic acid and glutamic acid. This variant has not been published in the literature and is not present in population databases. Algorithms developed to predict the effect of missense changes on protein structure and function do not agree on the potential impact of this missense change (SIFT: "Deleterious"; PolyPhen-2: "Benign"; Align-GVGD: "Class C0"). In summary, this is a novel missense change with uncertain impact on protein function. It has been classified as a Variant of Uncertain Significance.

NM_002354.3(EPCAM):c.390C>G (p.Asp130Glu)

Gene: EPCAM (epithelial cell adhesion molecule; plus strand). Cytogenetic location: 2p21.
Variant type: single nucleotide variant.
Coding change: c.390C>G on transcript NM_002354.3 (MANE Select); coding-DNA position 390, C replaced by G.
Protein change: p.Asp130Glu; replaces aspartic acid 130 with glutamic acid.
Molecular consequence: missense variant.
Genome position (GRCh38, 1-based): chr2:47,374,013, C>G. VCF-style: chr2-47374013-C-G. GRCh37 (hg19) VCF-style: chr2-47601152-C-G.
Other names: short protein forms D130E.
Identifiers: ClinVar variation 216557 (VCV000216557.11), dbSNP rs863224389, ClinGen allele CA338713.
Genomic context (GRCh38, chr2:47,374,013, plus strand): 5'-CAACGGCACCTCCATGTGCTGGTGTGTGAACACTGCTGGGGTCAGAAGAACAGACAAGGA[C>G]ACTGAAATAACCTGCTCTGAGCGAGTGAGAACCTAGTGAGTGGGGCTGCCTATACTACTT-3'
Protein context (NP_002345.2, residues 120-140): NTAGVRRTDK[Asp130Glu]TEITCSERVR